The following is an entry in ClinVar:

ClinVar aggregate classification (germline): Benign/Likely benign. Review status: criteria provided, multiple submitters, no conflicts (2 of 4 stars). 4 submissions from 4 submitters: Benign (1); Likely benign (2). 1 of the submissions does not count toward it. Last evaluated 2026-01-19.

Conditions:
Cardiomyopathy (CMYO). Also called: Cardiomyopathies. Identifiers: Orphanet 167848, MedGen C0878544, MONDO:0004994, HP:0001638. Inheritance: Various modes of inheritance.
Duchenne muscular dystrophy (DMD). Also called: MUSCULAR DYSTROPHY, PSEUDOHYPERTROPHIC PROGRESSIVE, DUCHENNE TYPE; Duchenne Muscular Dystrophy (DMD). Identifiers: Orphanet 98896, MedGen C0013264, MONDO:0010679, OMIM 310200.
Becker muscular dystrophy (BMD). Also called: Becker Muscular Dystrophy (BMD); MUSCULAR DYSTROPHY, PSEUDOHYPERTROPHIC PROGRESSIVE, BECKER TYPE. Identifiers: Orphanet 98895, MedGen C0917713, MONDO:0010311, OMIM 300376.
Dystrophin deficiency.
Cardiovascular phenotype. Identifiers: MedGen CN230736.

Allele frequency attached by ClinVar (database versions not stated): ExAC 0.00002; gnomAD exomes 0.00002; TOPMed 0.00003; gnomAD 0.00006 and 0.00009; ESP Exome Variant Server 0.00019.
gnomAD v4.1: 14 of 1,190,401 alleles (0.0012%); highest among the groups gnomAD compares: African/African-American, 0.018%; no homozygotes.

Submissions (4):

Labcorp Genetics (formerly Invitae), Labcorp
Classification: Benign for Duchenne muscular dystrophy. Last evaluated: 2026-01-19. Review status: criteria provided, single submitter. Criteria: Invitae Variant Classification Sherloc (09022015). Collection method: clinical testing. Allele origin: germline.

Ambry Genetics
Classification: Likely benign for Cardiovascular phenotype. Last evaluated: 2019-06-01. Review status: criteria provided, single submitter. Criteria: Ambry Variant Classification Scheme 2023. Collection method: clinical testing. Allele origin: germline.

Laboratory for Molecular Medicine, Mass General Brigham Personalized Medicine
Classification: Likely benign. Last evaluated: 2015-03-20. Review status: criteria provided, single submitter. Criteria: LMM Criteria. Collection method: clinical testing. Allele origin: germline. Observed: 1 variant allele.
Comment: p.Gln1090Gln in exon 24 of DMD: This variant is not expected to have clinical si gnificance because it does not alter an amino acid residue and is not located wi thin the splice consensus sequence. It has been identified in 2/8489 African chr omosomes by the Exome Aggregation Consortium (ExAC, rg; dbSNP rs373475857).

Natera, Inc.
Classification: Likely benign for Becker muscular dystrophy; Cardiomyopathy; Duchenne muscular dystrophy; Dystrophin deficiency. Last evaluated: 2019-07-02. Review status: no assertion criteria provided. Collection method: clinical testing. Allele origin: germline. Not counted in ClinVar's aggregate classification.

NM_004006.3(DMD):c.3270G>A (p.Gln1090=)

Gene: DMD (dystrophin; minus strand). Cytogenetic location: Xp21.1.
Variant type: single nucleotide variant.
Coding change: c.3270G>A on transcript NM_004006.3 (MANE Select); coding-DNA position 3270, G replaced by A.
Protein change: p.Gln1090=; no amino-acid change (glutamine 1090 retained).
Molecular consequence: synonymous variant.
Genome position (GRCh38, 1-based): chrX:32,464,592, C>T on the plus strand (G>A on the coding strand, the complement: DMD is on the minus strand). VCF-style: chrX-32464592-C-T. GRCh37 (hg19) VCF-style: chrX-32482709-C-T.
Other names: c.3246G>A, p.Gln1082= (NM_000109.4); c.3258G>A, p.Gln1086= (NM_004009.3); c.2901G>A, p.Gln967= (NM_004010.3).
Identifiers: ClinVar variation 227308 (VCV000227308.18), dbSNP rs373475857, ClinGen allele CA10379322.